The following is an entry in ClinVar:

ClinVar aggregate classification (germline): Uncertain significance (1 of 4 stars; one submission).

Submission:

GeneDx
Classification: Uncertain significance. Last evaluated: 2024-08-22. Review status: criteria provided, single submitter. Criteria: GeneDx Variant Classification Process June 2021. Collection method: clinical testing. Allele origin: germline. Affected: yes.
Comment: Not observed at significant frequency in large population cohorts (gnomAD); In silico analysis indicates that this missense variant does not alter protein structure/function; Has not been previously published as pathogenic or benign to our knowledge

NM_001170629.2(CHD8):c.7350C>G (p.Ser2450Arg)

Gene: CHD8 (chromodomain helicase DNA binding protein 8; minus strand). Cytogenetic location: 14q11.2.
Variant type: single nucleotide variant.
Coding change: c.7350C>G on transcript NM_001170629.2 (MANE Select); coding-DNA position 7350, C replaced by G.
Protein change: p.Ser2450Arg; replaces serine 2450 with arginine.
Molecular consequence: missense variant.
Genome position (GRCh38, 1-based): chr14:21,386,009, G>C on the plus strand (C>G on the coding strand, the complement: CHD8 is on the minus strand). VCF-style: chr14-21386009-G-C. GRCh37 (hg19) VCF-style: chr14-21854168-G-C.
Other names: c.6513C>G, p.Ser2171Arg (NM_020920.4); short protein forms S2171R, S2450R.
Identifiers: ClinVar variation 3764124 (VCV003764124.1).